The following is an entry in ClinVar:

ClinVar aggregate classification (germline): Uncertain significance. Review status: criteria provided, multiple submitters, no conflicts (2 of 4 stars). 3 submissions from 3 submitters: Uncertain significance (3). Last evaluated 2025-12-08.

Allele frequency attached by ClinVar (database versions not stated): ExAC 0.00007; gnomAD exomes 0.00007 and 0.00006; ESP Exome Variant Server 0.00015; 1000 Genomes Project 30x 0.00016; 1000 Genomes Project 0.00020; TOPMed 0.00002; gnomAD 0.00003.
gnomAD v4.1: 94 of 1,614,134 alleles (0.0058%); highest among the groups gnomAD compares: Middle Eastern, 0.049%; no homozygotes.

Submissions (3):

Labcorp Genetics (formerly Invitae), Labcorp
Classification: Uncertain significance. Last evaluated: 2025-12-08. Review status: criteria provided, single submitter. Criteria: Invitae Variant Classification Sherloc (09022015). Collection method: clinical testing. Allele origin: germline.
Comment: This sequence change replaces threonine, which is neutral and polar, with methionine, which is neutral and non-polar, at codon 462 of the SLC25A12 protein (p.Thr462Met). This variant is present in population databases (rs138477378, gnomAD 0.05%). This missense change has been observed in individual(s) with early infantile epileptic encephalopathy (PMID: 31054490). ClinVar contains an entry for this variant (Variation ID: 452174). Invitae Evidence Modeling of protein sequence and biophysical properties (such as structural, functional, and spatial information, amino acid conservation, physicochemical variation, residue mobility, and thermodynamic stability) indicates that this missense variant is not expected to disrupt SLC25A12 protein function with a negative predictive value of 80%. In summary, the available evidence is currently insufficient to determine the role of this variant in disease. Therefore, it has been classified as a Variant of Uncertain Significance.

CeGaT Center for Human Genetics Tuebingen
Classification: Uncertain significance. Last evaluated: 2023-08-01. Review status: criteria provided, single submitter. Criteria: CeGaT Center For Human Genetics Tuebingen Variant Classification Criteria Version 2. Collection method: clinical testing. Allele origin: germline. Affected: yes. Observed: 1 variant allele.
Comment: SLC25A12: PM2:Supporting, PM3:Supporting, PP3

GeneDx
Classification: Uncertain significance. Last evaluated: 2017-10-02. Review status: criteria provided, single submitter. Criteria: GeneDx Variant Classification (06012015). Collection method: clinical testing. Allele origin: germline. Affected: yes.
Comment: The T462M variant in the SLC25A12 gene has not been reported previously as a pathogenic variant, nor as a benign variant, to our knowledge. The T462M variant is observed in 10/18,864 (0.053%) alleles from individuals of East Asian background in the gnomAD dataset (Lek et al., 2016). The T462M variant is a non-conservative amino acid substitution, which is likely to impact secondary protein structure as these residues differ in polarity, charge, size and/or other properties. This substitution occurs at a position that is conserved across species. In silico analysis is inconsistent in its predictions as to whether or not the variant is damaging to the protein structure/function. We interpret T462M as a variant of uncertain significance.

Literature cited by the submitters: PubMed 31054490 (cited by Labcorp Genetics (formerly Invitae), Labcorp).

NM_003705.5(SLC25A12):c.1385C>T (p.Thr462Met)

Gene: SLC25A12 (solute carrier family 25 member 12; minus strand). Cytogenetic location: 2q31.1.
Variant type: single nucleotide variant.
Coding change: c.1385C>T on transcript NM_003705.5 (MANE Select); coding-DNA position 1385, C replaced by T.
Protein change: p.Thr462Met; replaces threonine 462 with methionine.
Molecular consequence: missense variant. On other transcripts: non-coding transcript variant (1).
Genome position (GRCh38, 1-based): chr2:171,793,688, G>A on the plus strand (C>T on the coding strand, the complement: SLC25A12 is on the minus strand). VCF-style: chr2-171793688-G-A. GRCh37 (hg19) VCF-style: chr2-172650198-G-A.
Other names: short protein forms T462M.
Identifiers: ClinVar variation 452174 (VCV000452174.32), dbSNP rs138477378, ClinGen allele CA1966130.